The following is an entry in ClinVar:

NM_001164508.2(NEB):c.23010_23011insC (p.Ser7671fs)

Genes: NEB (nebulin; minus strand), RIF1 (replication timing regulatory factor 1; plus strand). Cytogenetic location: 2q23.3.
Variant type: Insertion.
Coding change: c.23010_23011insC on transcript NM_001164508.2 (MANE Select); coding-DNA positions 23010 to 23011, C inserted.
Protein change: p.Ser7671fs; shifts the reading frame from serine 7671.
Molecular consequence: frameshift variant.
Genome position: GRCh38 VCF-style: chr2-151514823-T-TG. GRCh37 (hg19) VCF-style: chr2-152371337-T-TG.
Other names: c.23010_23011insC, p.Ser7671fs (NM_001164507.2); c.23115_23116insC, p.Ser7706fs (NM_001271208.2); c.17907_17908insC, p.Ser5970fs (NM_004543.5); short protein forms S5970fs, S7671fs, S7706fs.
Identifiers: ClinVar variation 4058757 (VCV004058757.2).

ClinVar aggregate classification (germline): Likely pathogenic (1 of 4 stars; one submission).

Conditions:
Nemaline myopathy 2 (NEM2). Also called: Nemaline myopathy 2, autosomal recessive. Identifiers: MedGen C1850569, MONDO:0009725, OMIM 256030.

Submission:

Natera, Inc.
Classification: Likely pathogenic for Nemaline myopathy type 2. Last evaluated: 2025-02-16. Review status: criteria provided, single submitter. Criteria: Natera Variant Classification Schema (03/2026). Collection method: clinical testing. Allele origin: germline.
Comment: The c.23115_23116insC variant in NEB is a frameshift variant predicted to shift the reading frame beginning at codon 7706 and leads to a stop codon 20 codons downstream. This variant is expected to result in nonsense mediated decay, truncation, or a dysfunctional protein product. This variant is rare in the general population with a frequency below the threshold expected for the associated phenotype(s). Given the available evidence, this variant is classified as Likely Pathogenic.